The following is an entry in ClinVar:

ClinVar aggregate classification (germline): Uncertain significance (1 of 4 stars; one submission).

Submission:

GeneDx
Classification: Uncertain significance. Last evaluated: 2022-05-25. Review status: criteria provided, single submitter. Criteria: GeneDx Variant Classification Process June 2021. Collection method: clinical testing. Allele origin: germline. Affected: yes.
Comment: Not observed at significant frequency in large population cohorts (gnomAD); In silico analysis supports that this variant does not alter protein structure/function; Has not been previously published as pathogenic or benign to our knowledge

NM_001318852.2(MAPK8IP3):c.1474_1475delinsGC (p.Ile492Ala)

Gene: MAPK8IP3 (mitogen-activated protein kinase 8 interacting protein 3; plus strand). Cytogenetic location: 16p13.3.
Variant type: Indel.
Coding change: c.1474_1475delinsGC on transcript NM_001318852.2 (MANE Select); coding-DNA positions 1474 to 1475, AT replaced by GC.
Protein change: p.Ile492Ala; replaces isoleucine 492 with alanine.
Molecular consequence: missense variant.
Genome position (GRCh38, 1-based): chr16:1,761,240-1,761,241, AT replaced by GC. VCF-style: chr16-1761240-AT-GC. GRCh37 (hg19) VCF-style: chr16-1811241-AT-GC.
Other names: c.1453_1454delinsGC, p.Ile485Ala (NM_001040439.2); c.1471_1472delinsGC, p.Ile491Ala (NM_015133.5); c.1471_1472delATinsGC, p.Ile491Ala (NM_033392.3); short protein forms I485A, I491A, I492A.
Identifiers: ClinVar variation 1800915 (VCV001800915.1), dbSNP rs2548092866, ClinGen allele CA2580090474.
Genomic context (GRCh38, chr16:1,761,240, plus strand): 5'-CCTGGGAGGCCCTCACCCTCCCTGCCTCCTTCCCCTTCCCACAGAGTGAAGTCCGAGGCC[AT>GC]CATCGCCCGCCGTGAACCCAAAGAAGAGGCGGAGGATGTAAGCAGCTATCTCTGTACAGA-3'
Protein context (NP_001305781.1, residues 482-502): EELKRVKSEA[Ile492Ala]IARREPKEEA